The following is an entry in ClinVar:

ClinVar aggregate classification (germline): Uncertain significance (1 of 4 stars; one submission).

Conditions:
Ehlers-Danlos syndrome, classic type, 1 (EDSCL1). Also called: EHLERS-DANLOS SYNDROME, GRAVIS TYPE; EHLERS-DANLOS SYNDROME, SEVERE CLASSIC TYPE; Ehlers-Danlos syndrome, type 1; Ehlers-Danlos Syndrome, Classic Type, COL5A1-Related; EDS I. Identifiers: MedGen C0268335, MONDO:0019567, OMIM 130000.

Submission:

Labcorp Genetics (formerly Invitae), Labcorp
Classification: Uncertain significance for Ehlers-Danlos syndrome, classic type, 1. Last evaluated: 2023-12-20. Review status: criteria provided, single submitter. Criteria: Invitae Variant Classification Sherloc (09022015). Collection method: clinical testing. Allele origin: germline.
Comment: This sequence change replaces alanine, which is neutral and non-polar, with valine, which is neutral and non-polar, at codon 1428 of the COL5A2 protein (p.Ala1428Val). This variant is not present in population databases (gnomAD no frequency). This variant has not been reported in the literature in individuals affected with COL5A2-related conditions. Advanced modeling of protein sequence and biophysical properties (such as structural, functional, and spatial information, amino acid conservation, physicochemical variation, residue mobility, and thermodynamic stability) performed at Invitae indicates that this missense variant is not expected to disrupt COL5A2 protein function with a negative predictive value of 80%. In summary, the available evidence is currently insufficient to determine the role of this variant in disease. Therefore, it has been classified as a Variant of Uncertain Significance.

NM_000393.5(COL5A2):c.4283C>T (p.Ala1428Val)

Gene: COL5A2 (collagen type V alpha 2 chain; minus strand). Cytogenetic location: 2q32.2.
Variant type: single nucleotide variant.
Coding change: c.4283C>T on transcript NM_000393.5 (MANE Select); coding-DNA position 4283, C replaced by T.
Protein change: p.Ala1428Val; replaces alanine 1428 with valine.
Molecular consequence: missense variant.
Genome position (GRCh38, 1-based): chr2:189,034,986, G>A on the plus strand (C>T on the coding strand, the complement: COL5A2 is on the minus strand). VCF-style: chr2-189034986-G-A. GRCh37 (hg19) VCF-style: chr2-189899712-G-A.
Other names: short protein forms A1428V.
Identifiers: ClinVar variation 2760848 (VCV002760848.3), dbSNP rs2469209328, ClinGen allele CA349854924.